The following is an entry in ClinVar:

NM_002769.5(PRSS1):c.118T>A (p.Ser40Thr)

Genes: PRSS1 (serine protease 1; plus strand), TRB (T cell receptor beta locus; plus strand). Cytogenetic location: 7q34.
Variant type: single nucleotide variant.
Coding change: c.118T>A on transcript NM_002769.5 (MANE Select); coding-DNA position 118, T replaced by A.
Protein change: p.Ser40Thr; replaces serine 40 with threonine.
Molecular consequence: missense variant. On other transcripts: non-coding transcript variant (4).
Genome position (GRCh38, 1-based): chr7:142,750,632, T>A. VCF-style: chr7-142750632-T-A. GRCh37 (hg19) VCF-style: chr7-142458483-T-A.
Other names: short protein forms S40T.
Identifiers: ClinVar variation 2496909 (VCV002496909.2), dbSNP rs2485733235, ClinGen allele CA369607285.

ClinVar aggregate classification (germline): Uncertain significance (1 of 4 stars; one submission).

Conditions:
Hereditary pancreatitis (PCTT). Also called: Hereditary chronic pancreatitis; PRSS1-Related Hereditary Pancreatitis. Identifiers: Orphanet 676, MedGen C0238339, MONDO:0008185, OMIM 167800.

Submission:

Ambry Genetics
Classification: Uncertain significance for Hereditary pancreatitis. Last evaluated: 2022-11-17. Review status: criteria provided, single submitter. Criteria: Ambry Variant Classification Scheme 2023. Collection method: clinical testing. Allele origin: germline.
Comment: The p.S40T variant (also known as c.118T>A), located in coding exon 2 of the PRSS1 gene, results from a T to A substitution at nucleotide position 118. The serine at codon 40 is replaced by threonine, an amino acid with similar properties. This amino acid position is conserved. In addition, the in silico prediction for this alteration is inconclusive. Since supporting evidence is limited at this time, the clinical significance of this alteration remains unclear.